The following is an entry in ClinVar:

NM_001378120.1(MBD5):c.1680G>T (p.Met560Ile)

Gene: MBD5 (methyl-CpG binding domain protein 5; plus strand). Cytogenetic location: 2q23.1.
Variant type: single nucleotide variant.
Coding change: c.1680G>T on transcript NM_001378120.1 (MANE Select); coding-DNA position 1680, G replaced by T.
Protein change: p.Met560Ile; replaces methionine 560 with isoleucine.
Molecular consequence: missense variant.
Genome position (GRCh38, 1-based): chr2:148,469,623, G>T. VCF-style: chr2-148469623-G-T. GRCh37 (hg19) VCF-style: chr2-149227192-G-T.
Other names: c.1680G>T, p.Met560Ile (NM_018328.5); short protein forms M560I.
Identifiers: ClinVar variation 804999 (VCV000804999.9), dbSNP rs1574460777, ClinGen allele CA348720198.

ClinVar aggregate classification (germline): Uncertain significance. Review status: criteria provided, multiple submitters, no conflicts (2 of 4 stars). 2 submissions from 2 submitters: Uncertain significance (2). Last evaluated 2023-01-31.

Conditions:
Intellectual developmental disorder, autosomal dominant 1. Also called: Intellectual disability, autosomal dominant 1; MBD5 Haploinsufficiency. Identifiers: Orphanet 228402, MedGen C1969562, MONDO:0007974, OMIM 156200.

Allele frequency attached by ClinVar (database versions not stated): gnomAD exomes below 0.00001.
gnomAD v4.1: 2 of 1,613,946 alleles (0.00012%); highest among the groups gnomAD compares: Middle Eastern, 0.017%; no homozygotes.

Submissions (2):

Labcorp Genetics (formerly Invitae), Labcorp
Classification: Uncertain significance for Intellectual developmental disorder, autosomal dominant 1. Last evaluated: 2023-01-31. Review status: criteria provided, single submitter. Criteria: Invitae Variant Classification Sherloc (09022015). Collection method: clinical testing. Allele origin: germline.
Comment: This sequence change replaces methionine, which is neutral and non-polar, with isoleucine, which is neutral and non-polar, at codon 560 of the MBD5 protein (p.Met560Ile). This variant is not present in population databases (gnomAD no frequency). This variant has not been reported in the literature in individuals affected with MBD5-related conditions. ClinVar contains an entry for this variant (Variation ID: 804999). Advanced modeling of protein sequence and biophysical properties (such as structural, functional, and spatial information, amino acid conservation, physicochemical variation, residue mobility, and thermodynamic stability) has been performed at Invitae for this missense variant, however the output from this modeling did not meet the statistical confidence thresholds required to predict the impact of this variant on MBD5 protein function. In summary, the available evidence is currently insufficient to determine the role of this variant in disease. Therefore, it has been classified as a Variant of Uncertain Significance.

Athena Diagnostics
Classification: Uncertain significance. Last evaluated: 2018-11-07. Review status: criteria provided, single submitter. Criteria: Athena Diagnostics Criteria. Collection method: clinical testing. Allele origin: germline.